The following is an entry in ClinVar:

ClinVar aggregate classification (germline): Uncertain significance (1 of 4 stars; one submission).

Submission:

CeGaT Center for Human Genetics Tuebingen
Classification: Uncertain significance. Last evaluated: 2023-01-01. Review status: criteria provided, single submitter. Criteria: CeGaT Center For Human Genetics Tuebingen Variant Classification Criteria Version 2. Collection method: clinical testing. Allele origin: germline. Affected: yes. Observed: 1 variant allele.
Comment: MYBPC1: PM2, PP3

NM_002465.4(MYBPC1):c.666-6G>A

Gene: MYBPC1 (myosin binding protein C1; plus strand). Cytogenetic location: 12q23.2.
Variant type: single nucleotide variant.
Coding change: c.666-6G>A on transcript NM_002465.4 (MANE Select); 6 bases into the intron before coding-DNA position 666, G replaced by A.
Molecular consequence: intron variant.
Genome position (GRCh38, 1-based): chr12:101,642,413, G>A. VCF-style: chr12-101642413-G-A. GRCh37 (hg19) VCF-style: chr12-102036191-G-A.
Other names: c.666-6G>A (NM_206819.4, NM_001404675.1); c.591-6G>A (NM_001254718.3, NM_206820.4, NM_001254719.3 and 1 more transcripts); c.534-6G>A (NM_001254721.3, NM_001404678.1, NM_001404676.1); c.555-6G>A (NM_001254720.3); c.552-6G>A (NM_001254723.3); c.513-6G>A (NM_001254722.3, NM_001404680.1); c.456-6G>A (NM_001404679.1, NM_001404681.1, NM_001404677.1).
Identifiers: ClinVar variation 2643237 (VCV002643237.24), dbSNP rs2547559058, ClinGen allele CA2695199162.